The following is an entry in ClinVar:

NM_012186.3(FOXE3):c.525C>A (p.His175Gln)

Genes: FOXE3 (forkhead box E3; plus strand), LINC01389 (long intergenic non-protein coding RNA 1389; minus strand). Cytogenetic location: 1p33.
Variant type: single nucleotide variant.
Coding change: c.525C>A on transcript NM_012186.3 (MANE Select); coding-DNA position 525, C replaced by A.
Protein change: p.His175Gln; replaces histidine 175 with glutamine.
Molecular consequence: missense variant.
Genome position (GRCh38, 1-based): chr1:47,416,840, C>A. VCF-style: chr1-47416840-C-A. GRCh37 (hg19) VCF-style: chr1-47882512-C-A.
Other names: short protein forms H175Q.
Identifiers: ClinVar variation 3851322 (VCV003851322.1).

ClinVar aggregate classification (germline): Uncertain significance (1 of 4 stars; one submission).

Conditions:
Cardiovascular phenotype. Identifiers: MedGen CN230736.

Submission:

Ambry Genetics
Classification: Uncertain significance for Cardiovascular phenotype. Last evaluated: 2025-03-09. Review status: criteria provided, single submitter. Criteria: Ambry Variant Classification Scheme 2023. Collection method: clinical testing. Allele origin: germline.
Comment: The p.H175Q variant (also known as c.525C>A), located in coding exon 1 of the FOXE3 gene, results from a C to A substitution at nucleotide position 525. The histidine at codon 175 is replaced by glutamine, an amino acid with highly similar properties. This amino acid position is conserved. In addition, this alteration is predicted to be tolerated by in silico analysis. Based on the available evidence, the clinical significance of this variant remains unclear.